The following is an entry in ClinVar:

ClinVar aggregate classification (germline): Pathogenic/Likely pathogenic. Review status: criteria provided, multiple submitters, no conflicts (2 of 4 stars). 3 submissions from 3 submitters: Pathogenic (1); Likely pathogenic (1). 1 of the submissions does not count toward it. Last evaluated 2018-06-15.

Conditions:
Early-infantile DEE. Also called: Early infantile epileptic encephalopathy; Ohtahara syndrome; Early infantile epileptic encephalopathy with suppression bursts. Identifiers: Orphanet 1934, MedGen C0393706, MONDO:0800491.
Developmental and epileptic encephalopathy, 17 (DEE17). Also called: Early infantile epileptic encephalopathy 17. Identifiers: Orphanet 1934, MedGen C3809606, MONDO:0014199, OMIM 615473.

Submissions (3):

Labcorp Genetics (formerly Invitae), Labcorp
Classification: Pathogenic for Early-infantile DEE. Last evaluated: 2018-06-15. Review status: criteria provided, single submitter. Criteria: Invitae Variant Classification Sherloc (09022015). Collection method: clinical testing. Allele origin: germline.
Comment: For these reasons, this variant has been classified as Pathogenic. Variants that disrupt the p.Arg209 amino acid residue in GNAO1 have been observed in affected individuals (PMID: 28357411, 25966631, 28688840, 27864847, 27068059, 26060304, 27625011). This suggests that it is a clinically significant residue, and that other variants that disrupt this residue are likely to be causative of disease. Algorithms developed to predict the effect of missense changes on protein structure and function (SIFT, PolyPhen-2, Align-GVGD) all suggest that this variant is likely to be disruptive, but these predictions have not been confirmed by published functional studies and their clinical significance is uncertain. This variant has been observed to be de novo in an individual with developmental delay and a movement disorder (PMID: 27625011). This variant is not present in population databases (ExAC no frequency). This sequence change replaces arginine with leucine at codon 209 of the GNAO1 protein (p.Arg209Leu). The arginine residue is highly conserved and there is a moderate physicochemical difference between arginine and leucine.

TIDEX, University of British Columbia
Classification: Likely pathogenic for Developmental and epileptic encephalopathy, 17. Review status: criteria provided, single submitter. Criteria: ACMG Guidelines, 2015. Collection method: research. Allele origin: de novo. Inheritance: Autosomal dominant inheritance. Affected: yes.

Genetics and Genomic Medicine Centre, NeuroGen Healthcare, NeuroGen Healthcare
Classification: Likely pathogenic. Last evaluated: 2020-12-22. Review status: no assertion criteria provided. Collection method: clinical testing. Allele origin: unknown. Affected: yes. Not counted in ClinVar's aggregate classification.

Literature cited by the submitters: PubMed 28357411 (cited by Labcorp Genetics (formerly Invitae), Labcorp); PubMed 25966631 (cited by Labcorp Genetics (formerly Invitae), Labcorp); PubMed 28688840 (cited by Labcorp Genetics (formerly Invitae), Labcorp); PubMed 27864847 (cited by Labcorp Genetics (formerly Invitae), Labcorp); PubMed 27068059 (cited by Labcorp Genetics (formerly Invitae), Labcorp); PubMed 26060304 (cited by Labcorp Genetics (formerly Invitae), Labcorp); PubMed 27625011 (cited by Labcorp Genetics (formerly Invitae), Labcorp).

NM_020988.3(GNAO1):c.626G>T (p.Arg209Leu)

Gene: GNAO1 (G protein subunit alpha o1; plus strand). Cytogenetic location: 16q13.
Variant type: single nucleotide variant.
Coding change: c.626G>T on transcript NM_020988.3 (MANE Select); coding-DNA position 626, G replaced by T.
Protein change: p.Arg209Leu; replaces arginine 209 with leucine.
Molecular consequence: missense variant.
Genome position (GRCh38, 1-based): chr16:56,336,763, G>T. VCF-style: chr16-56336763-G-T. GRCh37 (hg19) VCF-style: chr16-56370675-G-T.
Other names: c.626G>T, p.Arg209Leu (NM_138736.3); short protein forms R209L.
Identifiers: ClinVar variation 431699 (VCV000431699.12), dbSNP rs797044878, ClinGen allele CA395952201.